The following is an entry in ClinVar:

ClinVar aggregate classification (germline): Uncertain significance (1 of 4 stars; one submission).

gnomAD v4.1: 1 of 1,210,589 alleles (0.000083%); highest among the groups gnomAD compares: South Asian, 0.0018%; no homozygotes.

Submission:

Labcorp Genetics (formerly Invitae), Labcorp
Classification: Uncertain significance. Last evaluated: 2024-08-26. Review status: criteria provided, single submitter. Criteria: Invitae Variant Classification Sherloc (09022015). Collection method: clinical testing. Allele origin: germline.
Comment: This sequence change replaces proline, which is neutral and non-polar, with serine, which is neutral and polar, at codon 554 of the COL4A5 protein (p.Pro554Ser). This variant is not present in population databases (gnomAD no frequency). This variant has not been reported in the literature in individuals affected with COL4A5-related conditions. Invitae Evidence Modeling of protein sequence and biophysical properties (such as structural, functional, and spatial information, amino acid conservation, physicochemical variation, residue mobility, and thermodynamic stability) indicates that this missense variant is not expected to disrupt COL4A5 protein function with a negative predictive value of 95%. In summary, the available evidence is currently insufficient to determine the role of this variant in disease. Therefore, it has been classified as a Variant of Uncertain Significance.

NM_033380.3(COL4A5):c.1660C>T (p.Pro554Ser)

Gene: COL4A5 (collagen type IV alpha 5 chain; plus strand). Cytogenetic location: Xq22.3.
Variant type: single nucleotide variant.
Coding change: c.1660C>T on transcript NM_033380.3 (MANE Select); coding-DNA position 1660, C replaced by T.
Protein change: p.Pro554Ser; replaces proline 554 with serine.
Molecular consequence: missense variant.
Genome position (GRCh38, 1-based): chrX:108,597,449, C>T. VCF-style: chrX-108597449-C-T. GRCh37 (hg19) VCF-style: chrX-107840679-C-T.
Other names: c.1660C>T, p.Pro554Ser (NM_000495.5); short protein forms P554S.
Identifiers: ClinVar variation 3715867 (VCV003715867.2).
Genomic context (GRCh38, chrX:108,597,449, plus strand): 5'-GCTCCAGGTGCTCCAGGCTTTCCTGGATCTAAAGGTGAACCTGGTGATATCCTCACTTTT[C>T]CAGGAATGAAGGGTGACAAAGGAGAGTTGGGTTCCCCTGGAGCTCCAGGGCTTCCTGGTT-3'
Protein context (NP_203699.1, residues 544-564): KGEPGDILTF[Pro554Ser]GMKGDKGELG